The following is an entry in ClinVar:

ClinVar aggregate classification (germline): Uncertain significance (1 of 4 stars; one submission).

Conditions:
Hereditary cancer-predisposing syndrome. Also called: Neoplastic Syndromes, Hereditary; Tumor predisposition; Hereditary Cancer Syndrome; Hereditary neoplastic syndrome. Identifiers: Orphanet 140162, MedGen C0027672, MeSH D009386, MONDO:0015356.

Submission:

Ambry Genetics
Classification: Uncertain significance for Hereditary cancer-predisposing syndrome. Last evaluated: 2026-05-24. Review status: criteria provided, single submitter. Criteria: Ambry Variant Classification Scheme 2023. Collection method: clinical testing. Allele origin: germline.
Comment: The p.Q337K variant (also known as c.1009C>A), located in coding exon 11 of the NF2 gene, results from a C to A substitution at nucleotide position 1009. The glutamine at codon 337 is replaced by lysine, an amino acid with similar properties. This amino acid position is conserved. In addition, this alteration is predicted to be deleterious by in silico analysis. Based on the available evidence, the clinical significance of this variant remains unclear.

NM_000268.4(NF2):c.1009C>A (p.Gln337Lys)

Gene: NF2 (NF2, moesin-ezrin-radixin like (MERLIN) tumor suppressor; plus strand). Cytogenetic location: 22q12.2.
Variant type: single nucleotide variant.
Coding change: c.1009C>A on transcript NM_000268.4 (MANE Select); coding-DNA position 1009, C replaced by A.
Protein change: p.Gln337Lys; replaces glutamine 337 with lysine.
Molecular consequence: missense variant. On other transcripts: intron variant (1).
Genome position (GRCh38, 1-based): chr22:29,671,835, C>A. VCF-style: chr22-29671835-C-A. GRCh37 (hg19) VCF-style: chr22-30067824-C-A.
Other names: c.895C>A, p.Gln299Lys (NM_001407053.1, NM_001407056.1); c.886C>A, p.Gln296Lys (NM_001407054.1, NM_001407058.1, NM_181829.3); c.883C>A, p.Gln295Lys (NM_001407055.1, NM_181828.3); c.874C>A, p.Gln292Lys (NM_001407057.1, NM_001407059.1); c.1009C>A, p.Gln337Lys (NM_001407060.1, NM_001407066.1, NM_016418.5 and 2 more transcripts); c.751C>A, p.Gln251Lys (NM_001407062.1); c.760C>A, p.Gln254Lys (NM_001407063.1, NM_001407064.1, NM_181830.3 and 1 more transcripts); c.475C>A, p.Gln159Lys (NM_001407065.1); and 2 more; short protein forms Q159K, Q251K, Q254K, Q260K, Q292K, Q295K, Q296K, Q299K.
Identifiers: ClinVar variation 4861027 (VCV004861027.1).